The following is an entry in ClinVar:

ClinVar aggregate classification (germline): Uncertain significance. Review status: criteria provided, multiple submitters, no conflicts (2 of 4 stars). 4 submissions from 4 submitters: Uncertain significance (4). Last evaluated 2025-11-26.

Conditions:
Classic or attenuated familial adenomatous polyposis. Identifiers: MedGen CN372698, MONDO:0021057.
Hereditary cancer-predisposing syndrome. Also called: Hereditary neoplastic syndrome; Tumor predisposition; Neoplastic Syndromes, Hereditary; Hereditary Cancer Syndrome. Identifiers: Orphanet 140162, MedGen C0027672, MeSH D009386, MONDO:0015356.
Familial adenomatous polyposis 1 (FAP1). Also called: FAMILIAL ADENOMATOUS POLYPOSIS 1, ATTENUATED; POLYPOSIS, ADENOMATOUS INTESTINAL. Identifiers: MedGen C2713442, MONDO:0021056, OMIM 175100. Disease mechanism: loss of function.

gnomAD v4.1: 1 of 1,613,960 alleles (0.000062%); highest among the groups gnomAD compares: Non-Finnish European, 0.000085%; no homozygotes.

Submissions (4):

Labcorp Genetics (formerly Invitae), Labcorp
Classification: Uncertain significance for Familial adenomatous polyposis 1. Last evaluated: 2025-11-26. Review status: criteria provided, single submitter. Criteria: Invitae Variant Classification Sherloc (09022015). Collection method: clinical testing. Allele origin: germline.
Comment: This sequence change replaces arginine, which is basic and polar, with glycine, which is neutral and non-polar, at codon 2226 of the APC protein (p.Arg2226Gly). This variant is not present in population databases (gnomAD no frequency). This variant has not been reported in the literature in individuals affected with APC-related conditions. ClinVar contains an entry for this variant (Variation ID: 420672). Invitae Evidence Modeling of protein sequence and biophysical properties (such as structural, functional, and spatial information, amino acid conservation, physicochemical variation, residue mobility, and thermodynamic stability) indicates that this missense variant is not expected to disrupt APC protein function with a negative predictive value of 95%. In summary, the available evidence is currently insufficient to determine the role of this variant in disease. Therefore, it has been classified as a Variant of Uncertain Significance.

Ambry Genetics
Classification: Uncertain significance for Hereditary cancer-predisposing syndrome. Last evaluated: 2025-07-29. Review status: criteria provided, single submitter. Criteria: Ambry Variant Classification Scheme 2023. Collection method: clinical testing. Allele origin: germline.
Comment: The p.R2226G variant (also known as c.6676C>G), located in coding exon 15 of the APC gene, results from a C to G substitution at nucleotide position 6676. The arginine at codon 2226 is replaced by glycine, an amino acid with dissimilar properties. This amino acid position is highly conserved in available vertebrate species. In addition, in silico predictors for this gene do not accurately predict pathogenicity. Since supporting evidence is limited at this time, the clinical significance of this alteration remains unclear.

All of Us Research Program, National Institutes of Health
Classification: Uncertain significance for Classic or attenuated familial adenomatous polyposis. Last evaluated: 2024-05-30. Review status: criteria provided, single submitter. Criteria: ACMG Guidelines, 2015. Collection method: clinical testing. Allele origin: germline. Inheritance: Autosomal dominant inheritance. Observed: 1 variant allele, 1 heterozygote.
Comment: This missense variant replaces arginine with glycine at codon 2226 of the APC protein. Computational prediction suggests that this variant may have deleterious impact on protein structure and function (internally defined REVEL score threshold >= 0.7, PMID: 27666373). To our knowledge, functional studies have not been reported for this variant. This variant has not been reported in individuals affected with APC-related disorders in the literature. This variant has not been identified in the general population by the Genome Aggregation Database (gnomAD). The available evidence is insufficient to determine the role of this variant in disease conclusively. Therefore, this variant is classified as a Variant of Uncertain Significance.

This study involves interpretation of variants in research participants for the purpose of population health screening. Participant phenotype was not available at the time of variant classification. Additional details can be found in publication PMID: 35346344, PMCID: PMC8962531

GeneDx
Classification: Uncertain significance. Last evaluated: 2016-03-15. Review status: criteria provided, single submitter. Criteria: GeneDx Variant Classification (06012015). Collection method: clinical testing. Allele origin: germline. Affected: yes.
Comment: This variant is denoted APC c.6676C>G at the cDNA level, p.Arg2226Gly (R2226G) at the protein level, and results in the change of an Arginine to a Glycine (CGA>GGA). This variant has not, to our knowledge, been published in the literature as pathogenic or benign. APC Arg2226Gly was not observed in approximately 6,500 individuals of European and African American ancestry in the NHLBI Exome Sequencing Project, suggesting it is not a common benign variant in these populations. Since Arginine and Glycine differ in polarity, charge, size or other properties, this is considered a non-conservative amino acid substitution. APC Arg2226Gly occurs at a position that is conserved across species and is located within the basic domain (Azzopardi 2008). In silico analyses predict that this variant is probably damaging to protein structure and function. Based on currently available evidence, it is unclear whether APC Arg2226Gly is a pathogenic or benign variant. We consider it to be a variant of uncertain significance.

NM_000038.6(APC):c.6676C>G (p.Arg2226Gly)

Gene: APC (APC regulator of Wnt signaling pathway; plus strand). Cytogenetic location: 5q22.2.
Variant type: single nucleotide variant.
Coding change: c.6676C>G on transcript NM_000038.6 (MANE Select); coding-DNA position 6676, C replaced by G.
Protein change: p.Arg2226Gly; replaces arginine 2226 with glycine.
Molecular consequence: missense variant.
Genome position (GRCh38, 1-based): chr5:112,842,270, C>G. VCF-style: chr5-112842270-C-G. GRCh37 (hg19) VCF-style: chr5-112177967-C-G.
Other names: c.6676C>G, p.Arg2226Gly (NM_001127510.3, NM_001354895.2); c.6622C>G, p.Arg2208Gly (NM_001127511.3); c.6730C>G, p.Arg2244Gly (NM_001354896.2); c.6706C>G, p.Arg2236Gly (NM_001354897.2); c.6601C>G, p.Arg2201Gly (NM_001354898.2); c.6592C>G, p.Arg2198Gly (NM_001354899.2); c.6553C>G, p.Arg2185Gly (NM_001354900.2); c.6499C>G, p.Arg2167Gly (NM_001354901.2); and 5 more; short protein forms R2208G, R2226G, R2125G, R2198G, R2135G, R2167G, R2185G, R2236G.
Identifiers: ClinVar variation 420672 (VCV000420672.17), dbSNP rs1064794626, ClinGen allele CA16035930.